The following is an entry in ClinVar:

ClinVar aggregate classification (germline): Pathogenic (1 of 4 stars; one submission).

Conditions:
Hypercholesterolemia, autosomal dominant, type B (FHCL2). Also called: APOB-Related Familial Hypercholesterolemia, Autosomal Dominant; Familial Hypercholesterolemia Type B; APOLIPOPROTEIN B-100, FAMILIAL DEFECTIVE; APOLIPOPROTEIN B-100, FAMILIAL LIGAND-DEFECTIVE; HYPERCHOLESTEROLEMIA, FAMILIAL, DUE TO LIGAND-DEFECTIVE APOLIPOPROTEIN B; Hyperlipoproteinemia Type IIb. Identifiers: MedGen C1704417, MONDO:0007751, OMIM 144010.
Familial hypobetalipoproteinemia 1. Also called: Hypobetalipoproteinemia, normotriglyceridemic; Acanthocytosis with hypobetalipoproteinemia; APOB-Related Familial Hypobetalipoproteinemia. Identifiers: MedGen C4551990, MONDO:0014252, OMIM 615558.

Submission:

Labcorp Genetics (formerly Invitae), Labcorp
Classification: Pathogenic for Familial hypobetalipoproteinemia 1; Hypercholesterolemia, autosomal dominant, type B. Last evaluated: 2023-08-18. Review status: criteria provided, single submitter. Criteria: Invitae Variant Classification Sherloc (09022015). Collection method: clinical testing. Allele origin: germline.
Comment: For these reasons, this variant has been classified as Pathogenic. This variant has not been reported in the literature in individuals affected with APOB-related conditions. This variant is not present in population databases (gnomAD no frequency). This sequence change creates a premature translational stop signal (p.Gly1327*) in the APOB gene. It is expected to result in an absent or disrupted protein product. Loss-of-function variants in APOB are known to be pathogenic (PMID: 20032471).

Literature cited by the submitters: PubMed 20032471.

NM_000384.3(APOB):c.3979G>T (p.Gly1327Ter)

Gene: APOB (apolipoprotein B; minus strand). Cytogenetic location: 2p24.1.
Variant type: single nucleotide variant.
Coding change: c.3979G>T on transcript NM_000384.3 (MANE Select); coding-DNA position 3979, G replaced by T.
Protein change: p.Gly1327Ter; replaces glycine 1327 with a stop codon.
Molecular consequence: nonsense.
Genome position (GRCh38, 1-based): chr2:21,013,397, C>A on the plus strand (G>T on the coding strand, the complement: APOB is on the minus strand). VCF-style: chr2-21013397-C-A. GRCh37 (hg19) VCF-style: chr2-21236269-C-A.
Other names: short protein forms G1327*.
Identifiers: ClinVar variation 2951059 (VCV002951059.3), dbSNP rs760203474, ClinGen allele CA346007868.